The following is an entry in ClinVar:

ClinVar aggregate classification (germline): Likely benign (1 of 4 stars; one submission).

gnomAD v4.1: 4 of 1,609,114 alleles (0.00025%); highest among the groups gnomAD compares: Non-Finnish European, 0.00034%; no homozygotes.

Submission:

CeGaT Center for Human Genetics Tuebingen
Classification: Likely benign. Last evaluated: 2025-09-01. Review status: criteria provided, single submitter. Criteria: CeGaT Center For Human Genetics Tuebingen Variant Classification Criteria Version 2. Collection method: clinical testing. Allele origin: germline. Affected: yes. Observed: 1 variant allele.
Comment: CAMK2B: BP4, BP7

NM_001220.5(CAMK2B):c.1359C>A (p.Ile453=)

Gene: CAMK2B (calcium/calmodulin dependent protein kinase II beta; minus strand). Cytogenetic location: 7p13.
Variant type: single nucleotide variant.
Coding change: c.1359C>A on transcript NM_001220.5 (MANE Select); coding-DNA position 1359, C replaced by A.
Protein change: p.Ile453=; no amino-acid change (isoleucine 453 retained).
Molecular consequence: synonymous variant. On other transcripts: intron variant (8).
Genome position (GRCh38, 1-based): chr7:44,228,905, G>T on the plus strand (C>A on the coding strand, the complement: CAMK2B is on the minus strand). VCF-style: chr7-44228905-G-T. GRCh37 (hg19) VCF-style: chr7-44268504-G-T.
Other names: c.947-8004C>A (NM_172084.3); c.1150+2101C>A (NM_172080.3); c.1036+2101C>A (NM_172083.3); c.1108+2101C>A (NM_172081.3); c.1153+2101C>A (NM_172079.3, NM_172082.3); c.1225+2101C>A (NM_001293170.2, NM_172078.3).
Identifiers: ClinVar variation 4281038 (VCV004281038.7).